The following is an entry in ClinVar:

NM_001429.4(EP300):c.1040del (p.His347fs)

Gene: EP300 (EP300 lysine acetyltransferase; plus strand). Cytogenetic location: 22q13.2.
Variant type: Deletion.
Coding change: c.1040del on transcript NM_001429.4 (MANE Select); coding-DNA position 1040, one base deleted (A; older notation c.1040delA).
Protein change: p.His347fs; shifts the reading frame from histidine 347.
Molecular consequence: frameshift variant.
Genome position (GRCh38, 1-based): chr22:41,127,620, A deleted. VCF-style (leftmost placement, unchanged base first): chr22-41127619-CA-C. GRCh37 (hg19) VCF-style: chr22-41523623-CA-C.
Other names: c.1040del, p.His347fs (NM_001362843.2); short protein forms H347fs.
Identifiers: ClinVar variation 4886526 (VCV004886526.2).

ClinVar aggregate classification (germline): Likely pathogenic (1 of 4 stars; one submission).

Submission:

Dasa
Classification: Likely pathogenic. Last evaluated: 2025-03-25. Review status: criteria provided, single submitter. Criteria: DASA Assertion Criteria. Collection method: clinical testing. Allele origin: germline.
Comment: NM_001429.4(EP300):c.1040del (p.His347Leufs*15) is a frameshift variant in EP300 predicted to alter the reading frame and introduce a premature termination codon and is predicted to result in an absent or altered protein product. Loss of function is an established disease mechanism for EP300 (PMID: 15706485; PMID: 19353645). Also, this variant is absent from population databases. Based on the currently available evidence, this variant is classified as likely pathogenic.

Literature cited by the submitters: PubMed 15706485; PubMed 19353645.